The following is an entry in ClinVar:

NM_014000.3(VCL):c.592G>T (p.Val198Leu)

Gene: VCL (vinculin; plus strand). Cytogenetic location: 10q22.2.
Variant type: single nucleotide variant.
Coding change: c.592G>T on transcript NM_014000.3 (MANE Select); coding-DNA position 592, G replaced by T.
Protein change: p.Val198Leu; replaces valine 198 with leucine.
Molecular consequence: missense variant.
Genome position (GRCh38, 1-based): chr10:74,072,822, G>T. VCF-style: chr10-74072822-G-T. GRCh37 (hg19) VCF-style: chr10-75832580-G-T.
Other names: c.592G>T, p.Val198Leu (NM_003373.4); short protein forms V198L.
Identifiers: ClinVar variation 3226300 (VCV003226300.1), dbSNP rs760340545, ClinGen allele CA5562806.

ClinVar aggregate classification (germline): Uncertain significance (1 of 4 stars; one submission).

Conditions:
Cardiovascular phenotype. Identifiers: MedGen CN230736.

Submission:

Ambry Genetics
Classification: Uncertain significance for Cardiovascular phenotype. Last evaluated: 2023-09-30. Review status: criteria provided, single submitter. Criteria: Ambry Variant Classification Scheme 2023. Collection method: clinical testing. Allele origin: germline.
Comment: The p.V198L variant (also known as c.592G>T), located in coding exon 5 of the VCL gene, results from a G to T substitution at nucleotide position 592. The valine at codon 198 is replaced by leucine, an amino acid with highly similar properties. This amino acid position is conserved. In addition, the in silico prediction for this alteration is inconclusive. Since supporting evidence is limited at this time, the clinical significance of this alteration remains unclear.